The following is an entry in ClinVar:

NM_004260.4(RECQL4):c.2471A>T (p.Asp824Val)

Gene: RECQL4 (RecQ like helicase 4; minus strand). Cytogenetic location: 8q24.3.
Variant type: single nucleotide variant.
Coding change: c.2471A>T on transcript NM_004260.4 (MANE Select); coding-DNA position 2471, A replaced by T.
Protein change: p.Asp824Val; replaces aspartic acid 824 with valine.
Molecular consequence: missense variant. On other transcripts: non-coding transcript variant (3).
Genome position (GRCh38, 1-based): chr8:144,513,131, T>A on the plus strand (A>T on the coding strand, the complement: RECQL4 is on the minus strand). VCF-style: chr8-144513131-T-A. GRCh37 (hg19) VCF-style: chr8-145738514-T-A.
Other names: c.2177A>T, p.Asp726Val (NM_001413017.1); c.2273A>T, p.Asp758Val (NM_001413018.1); c.2471A>T, p.Asp824Val (NM_001413019.1, NM_001413036.1); c.2375A>T, p.Asp792Val (NM_001413020.1); c.1400A>T, p.Asp467Val (NM_001413021.1, NM_001413022.1, NM_001413023.1 and 5 more transcripts); c.2342A>T, p.Asp781Val (NM_001413025.1); c.1334A>T, p.Asp445Val (NM_001413027.1, NM_001413030.1, NM_001413032.1 and 1 more transcripts); c.2120A>T, p.Asp707Val (NM_001413029.1); and 6 more; short protein forms D335V, D445V, D707V, D792V, D401V, D467V, D780V, D814V.
Identifiers: ClinVar variation 2809508 (VCV002809508.3), dbSNP rs1827569491, ClinGen allele CA372677595.

ClinVar aggregate classification (germline): Uncertain significance (1 of 4 stars; one submission).

Conditions:
Baller-Gerold syndrome (BGS). Also called: CRANIOSYNOSTOSIS WITH RADIAL DEFECTS. Identifiers: Orphanet 1225, MedGen C0265308, MONDO:0009039, OMIM 218600.

Allele frequency attached by ClinVar (database versions not stated): gnomAD 0.00001.

Submission:

Labcorp Genetics (formerly Invitae), Labcorp
Classification: Uncertain significance for Baller-Gerold syndrome. Last evaluated: 2023-03-18. Review status: criteria provided, single submitter. Criteria: Invitae Variant Classification Sherloc (09022015). Collection method: clinical testing. Allele origin: germline.
Comment: This variant is not present in population databases (gnomAD no frequency). This sequence change replaces aspartic acid, which is acidic and polar, with valine, which is neutral and non-polar, at codon 824 of the RECQL4 protein (p.Asp824Val). This variant has not been reported in the literature in individuals affected with RECQL4-related conditions. Advanced modeling of protein sequence and biophysical properties (such as structural, functional, and spatial information, amino acid conservation, physicochemical variation, residue mobility, and thermodynamic stability) performed at Invitae indicates that this missense variant is expected to disrupt RECQL4 protein function. In summary, the available evidence is currently insufficient to determine the role of this variant in disease. Therefore, it has been classified as a Variant of Uncertain Significance.